The following is an entry in ClinVar:

ClinVar aggregate classification (germline): Uncertain significance (1 of 4 stars; one submission).

Submission:

Labcorp Genetics (formerly Invitae), Labcorp
Classification: Uncertain significance. Last evaluated: 2025-10-21. Review status: criteria provided, single submitter. Criteria: Invitae Variant Classification Sherloc (09022015). Collection method: clinical testing. Allele origin: germline.
Comment: This sequence change creates a premature translational stop signal (p.Ser721Alafs*53) in the IMPG1 gene. While this is not anticipated to result in nonsense mediated decay, it is expected to disrupt the last 77 amino acid(s) of the IMPG1 protein. This variant is not present in population databases (gnomAD no frequency). This variant has not been reported in the literature in individuals affected with IMPG1-related conditions. Experimental studies and prediction algorithms are not available or were not evaluated, and the functional significance of this variant is currently unknown. In summary, the available evidence is currently insufficient to determine the role of this variant in disease. Therefore, it has been classified as a Variant of Uncertain Significance.

NM_001563.4(IMPG1):c.2160del (p.Ser721fs)

Gene: IMPG1 (interphotoreceptor matrix proteoglycan 1; minus strand). Cytogenetic location: 6q14.1.
Variant type: Deletion.
Coding change: c.2160del on transcript NM_001563.4 (MANE Select); coding-DNA position 2160, one base deleted (G; older notation c.2160delG).
Protein change: p.Ser721fs; shifts the reading frame from serine 721.
Molecular consequence: frameshift variant.
Genome position (GRCh38, 1-based): chr6:75,931,036, C deleted on the plus strand (G on the coding strand, the reverse complement: IMPG1 is on the minus strand); the first of 4 consecutive C bases (chr6:75,931,036-75,931,039); deleting any one gives the same sequence. VCF-style (leftmost placement, unchanged base first): chr6-75931035-TC-T. GRCh37 (hg19) VCF-style: chr6-76640752-TC-T.
Other names: c.1926del, p.Ser643fs (NM_001282368.2); short protein forms S721fs, S643fs.
Identifiers: ClinVar variation 4728131 (VCV004728131.1).